The following is an entry in ClinVar:

ClinVar aggregate classification (germline): Uncertain significance (1 of 4 stars; one submission).

Conditions:
PHGDH deficiency. Identifiers: Orphanet 79351, MedGen C1866174, MONDO:0011152, OMIM 601815.

Allele frequency attached by ClinVar (database versions not stated): ExAC 0.00001; gnomAD exomes 0.00001 and 0.00002; TOPMed 0.00001.
gnomAD v4.1: 20 of 1,614,122 alleles (0.0012%); highest among the groups gnomAD compares: South Asian, 0.0088%; 1 homozygote.

Submission:

Labcorp Genetics (formerly Invitae), Labcorp
Classification: Uncertain significance for PHGDH deficiency. Last evaluated: 2026-01-12. Review status: criteria provided, single submitter. Criteria: Invitae Variant Classification Sherloc (09022015). Collection method: clinical testing. Allele origin: germline.
Comment: This sequence change replaces arginine, which is basic and polar, with glutamine, which is neutral and polar, at codon 135 of the PHGDH protein (p.Arg135Gln). This variant is present in population databases (rs774423823, gnomAD 0.01%). This variant has not been reported in the literature in individuals affected with PHGDH-related conditions. ClinVar contains an entry for this variant (Variation ID: 1387091). Invitae Evidence Modeling of protein sequence and biophysical properties (such as structural, functional, and spatial information, amino acid conservation, physicochemical variation, residue mobility, and thermodynamic stability) has been performed for this missense variant. However, the output from this modeling did not meet the statistical confidence thresholds required to predict the impact of this variant on PHGDH protein function. This variant disrupts the p.Arg135 amino acid residue in PHGDH. Other variant(s) that disrupt this residue have been determined to be pathogenic (PMID: 19235232, 26610677). This suggests that this residue is clinically significant, and that variants that disrupt this residue are likely to be disease-causing. In summary, the available evidence is currently insufficient to determine the role of this variant in disease. Therefore, it has been classified as a Variant of Uncertain Significance.

Literature cited by the submitters: PubMed 19235232; PubMed 26610677.

NM_006623.4(PHGDH):c.404G>A (p.Arg135Gln)

Gene: PHGDH (phosphoglycerate dehydrogenase; plus strand). Cytogenetic location: 1p12.
Variant type: single nucleotide variant.
Coding change: c.404G>A on transcript NM_006623.4 (MANE Select); coding-DNA position 404, G replaced by A.
Protein change: p.Arg135Gln; replaces arginine 135 with glutamine.
Molecular consequence: missense variant.
Genome position (GRCh38, 1-based): chr1:119,726,898, G>A. VCF-style: chr1-119726898-G-A. GRCh37 (hg19) VCF-style: chr1-120269521-G-A.
Other names: short protein forms R135Q.
Identifiers: ClinVar variation 1387091 (VCV001387091.6), dbSNP rs774423823, ClinGen allele CA1037077.